The following is an entry in ClinVar:

NM_000551.4(VHL):c.291_292delinsAC (p.Tyr98His)

Gene: VHL (von Hippel-Lindau tumor suppressor; plus strand). Cytogenetic location: 3p25.3.
Variant type: Indel.
Coding change: c.291_292delinsAC on transcript NM_000551.4 (MANE Select); coding-DNA positions 291 to 292, CT replaced by AC.
Protein change: p.Tyr98His; replaces tyrosine 98 with histidine.
Molecular consequence: missense variant. On other transcripts: non-coding transcript variant (1).
Genome position (GRCh38, 1-based): chr3:10,142,138-10,142,139, CT replaced by AC. VCF-style: chr3-10142138-CT-AC. GRCh37 (hg19) VCF-style: chr3-10183822-CT-AC.
Other names: c.291_292delinsAC, p.Tyr98His (NM_001354723.2, NM_198156.3); short protein forms Y98H.
Identifiers: ClinVar variation 2940951 (VCV002940951.3), dbSNP rs2470158546, ClinGen allele CA2740090907.

ClinVar aggregate classification (germline): Pathogenic (1 of 4 stars; one submission).

Conditions:
Chuvash polycythemia. Also called: POLYCYTHEMIA, VHL-DEPENDENT. Identifiers: Orphanet 238557, MedGen C1837915, MONDO:0009892, OMIM 263400.
Von Hippel-Lindau syndrome (VHLS). Also called: von Hippel–Lindau syndrome; VHL syndrome; Von Hippel-Lindau. Identifiers: Orphanet 892, MedGen C0019562, MONDO:0008667, OMIM 193300. Disease mechanism: loss of function.

Submission:

Labcorp Genetics (formerly Invitae), Labcorp
Classification: Pathogenic for Von Hippel-Lindau syndrome; Chuvash polycythemia. Last evaluated: 2022-12-02. Review status: criteria provided, single submitter. Criteria: Invitae Variant Classification Sherloc (09022015). Collection method: clinical testing. Allele origin: germline.
Comment: A different variant (c.292T>C) giving rise to the same protein effect has been determined to be pathogenic (PMID: 7728151, 7759077, 10408776, 11483638, 19336503, 19763184, 21204227). This suggests that this variant is also likely to be causative of disease. Experimental studies and prediction algorithms are not available or were not evaluated, and the functional significance of this variant is currently unknown. This variant disrupts the p.Tyr98 amino acid residue in VHL. Other variant(s) that disrupt this residue have been determined to be pathogenic (PMID: 27539324, 28388566, 29124493). This suggests that this residue is clinically significant, and that variants that disrupt this residue are likely to be disease-causing. For these reasons, this variant has been classified as Pathogenic. This sequence change replaces tyrosine, which is neutral and polar, with histidine, which is basic and polar, at codon 98 of the VHL protein (p.Tyr98His). Information on the frequency of this variant in the gnomAD database is not available, as this variant may be reported differently in the database.

Literature cited by the submitters: PubMed 7728151; PubMed 7759077; PubMed 10408776; PubMed 11483638; PubMed 19336503; PubMed 19763184; PubMed 21204227; PubMed 27539324; PubMed 28388566; PubMed 29124493.